The following is an entry in ClinVar:

NM_001927.4(DES):c.1323T>G (p.His441Gln)

Gene: DES (desmin; plus strand). Cytogenetic location: 2q35.
Variant type: single nucleotide variant.
Coding change: c.1323T>G on transcript NM_001927.4 (MANE Select); coding-DNA position 1323, T replaced by G.
Protein change: p.His441Gln; replaces histidine 441 with glutamine.
Molecular consequence: missense variant.
Genome position (GRCh38, 1-based): chr2:219,425,697, T>G. VCF-style: chr2-219425697-T-G. GRCh37 (hg19) VCF-style: chr2-220290419-T-G.
Other names: c.1320T>G, p.His440Gln (NM_001382708.1); c.891T>G, p.His297Gln (NM_001382709.1); c.1254T>G, p.His418Gln (NM_001382710.1); c.1302T>G, p.His434Gln (NM_001382711.1); c.1323T>G, p.His441Gln (NM_001382712.1); c.1053T>G, p.His351Gln (NM_001382713.1); short protein forms H297Q, H418Q, H441Q, H351Q, H434Q, H440Q.
Identifiers: ClinVar variation 956598 (VCV000956598.8), dbSNP rs751325263, ClinGen allele CA350698503.

ClinVar aggregate classification (germline): Uncertain significance (1 of 4 stars; one submission).

Conditions:
Desmin-related myofibrillar myopathy (MFM1). Also called: Desminopathy; Desmin related myopathy (former name); Desmin storage myopathy (former name); MYOFIBRILLAR MYOPATHY WITH ARRHYTHMOGENIC RIGHT VENTRICULAR CARDIOMYOPATHY; DESMIN-RELATED MYOPATHY WITH ARRHYTHMOGENIC RIGHT VENTRICULAR CARDIOMYOPATHY; Myofibrillar myopathy 1. Identifiers: Orphanet 363543, Orphanet 98909, MedGen C1832370, MONDO:0011076, OMIM 601419.

Submission:

Labcorp Genetics (formerly Invitae), Labcorp
Classification: Uncertain significance for Desmin-related myofibrillar myopathy. Last evaluated: 2021-12-07. Review status: criteria provided, single submitter. Criteria: Invitae Variant Classification Sherloc (09022015). Collection method: clinical testing. Allele origin: germline.
Comment: This sequence change replaces histidine, which is basic and polar, with glutamine, which is neutral and polar, at codon 441 of the DES protein (p.His441Gln). In summary, the available evidence is currently insufficient to determine the role of this variant in disease. Therefore, it has been classified as a Variant of Uncertain Significance. Algorithms developed to predict the effect of missense changes on protein structure and function are either unavailable or do not agree on the potential impact of this missense change (SIFT: "Deleterious"; PolyPhen-2: "Possibly Damaging"; Align-GVGD: "Class C0"). ClinVar contains an entry for this variant (Variation ID: 956598). This variant has not been reported in the literature in individuals affected with DES-related conditions. This variant is not present in population databases (gnomAD no frequency).